The following is an entry in ClinVar:

NM_000053.4(ATP7B):c.2165dup (p.Arg723fs)

Gene: ATP7B (ATPase copper transporting beta; minus strand). Cytogenetic location: 13q14.3.
Variant type: Duplication.
Coding change: c.2165dup on transcript NM_000053.4 (MANE Select); coding-DNA position 2165, one base duplicated (T; older notation c.2165dupT).
Protein change: p.Arg723fs; shifts the reading frame from arginine 723.
Molecular consequence: frameshift variant. On other transcripts: intron variant (2).
Genome position (GRCh38, 1-based): chr13:51,958,501, A duplicated on the plus strand (T on the coding strand, the reverse complement: ATP7B is on the minus strand). VCF-style (leftmost placement, unchanged base first): chr13-51958500-C-CA. GRCh37 (hg19) VCF-style: chr13-52532636-C-CA.
Other names: c.1832dup, p.Arg612fs (NM_001243182.2); c.1913dup, p.Arg639fs (NM_001330579.2); c.1870-894dup (NM_001005918.3); c.2122-894dup (NM_001330578.2); short protein forms R639fs, R723fs, R612fs.
Identifiers: ClinVar variation 210483 (VCV000210483.25), dbSNP rs768729972, ClinGen allele CA277321.

ClinVar aggregate classification (germline): Pathogenic/Likely pathogenic. Review status: criteria provided, multiple submitters, no conflicts (2 of 4 stars). 11 submissions from 11 submitters: Pathogenic (8); Likely pathogenic (2). 1 of the submissions does not count toward it. Last evaluated 2025-10-15.

Conditions:
Wilson disease (WND). Also called: Wilson's disease. Identifiers: Orphanet 905, MedGen C0019202, MONDO:0010200, OMIM 277900. Disease mechanism: loss of function.

Allele frequency attached by ClinVar (database versions not stated): gnomAD exomes below 0.00001 and 0.00001; ExAC 0.00001.

Submissions (11):

Natera, Inc.
Classification: Pathogenic for Wilson disease. Last evaluated: 2025-10-15. Review status: criteria provided, single submitter. Criteria: Natera Variant Classification Schema (03/2026). Collection method: clinical testing. Allele origin: germline.
Comment: The c.2165dupT variant in ATP7B is a frameshift variant predicted to shift the reading frame beginning at codon 723 and leads to a stop codon 32 codons downstream. This variant is expected to result in nonsense mediated decay, truncation, or a dysfunctional protein product. This variant is rare in the general population with a frequency below the threshold expected for the associated phenotype(s). This variant has been observed in one or more individuals affected with the associated recessive disease, as either homozygous or compound heterozygous with a second variant (PMID: 30230192). Given the available evidence, this variant is classified as Pathogenic.

All of Us Research Program, National Institutes of Health
Classification: Pathogenic for Wilson disease. Last evaluated: 2024-09-27. Review status: criteria provided, single submitter. Criteria: ACMG Guidelines, 2015. Collection method: clinical testing. Allele origin: germline. Inheritance: Autosomal recessive inheritance. Observed: 3 variant alleles, 3 heterozygotes.
Comment: This variant is predicted to result in loss of protein function through nonsense-mediated or protein truncation. Loss of function is an established mechanism of disease. This variant is rare in large population databases, including the Genome Aggregation Database. This variant was detected in multiple affected individuals as homozygous or as compound heterozygous (in trans) with another variant, which is consistent with autosomal recessive inheritance (PMID: 23518715, 24555712, 9199563, 23023019). This variant has been reported to co-segregate with biochemical features of Wilson syndrome one family (PMID: 24555712).

This study involves interpretation of variants in research participants for the purpose of population health screening. Participant phenotype was not available at the time of variant classification. Additional details can be found in publication PMID: 35346344, PMCID: PMC8962531

Labcorp Genetics (formerly Invitae), Labcorp
Classification: Pathogenic for Wilson disease. Last evaluated: 2024-03-03. Review status: criteria provided, single submitter. Criteria: Invitae Variant Classification Sherloc (09022015). Collection method: clinical testing. Allele origin: germline.
Comment: This sequence change creates a premature translational stop signal (p.Arg723Glufs*32) in the ATP7B gene. It is expected to result in an absent or disrupted protein product. Loss-of-function variants in ATP7B are known to be pathogenic (PMID: 10441329, 16283883). This variant is present in population databases (rs768729972, gnomAD 0.0009%). This premature translational stop signal has been observed in individual(s) with Wilson disease (PMID: 9199563, 24555712, 30230192). It has also been observed to segregate with disease in related individuals. This variant is also known as 2164insT . ClinVar contains an entry for this variant (Variation ID: 210483). For these reasons, this variant has been classified as Pathogenic.

Baylor Genetics
Classification: Pathogenic for Wilson disease. Last evaluated: 2023-12-26. Review status: criteria provided, single submitter. Criteria: ACMG Guidelines, 2015. Collection method: clinical testing. Allele origin: unknown.

Revvity Omics, Revvity
Classification: Pathogenic for Wilson disease. Last evaluated: 2023-03-20. Review status: criteria provided, single submitter. Criteria: ACMG Guidelines, 2015. Collection method: clinical testing. Allele origin: germline.

Fulgent Genetics
Classification: Likely pathogenic for Wilson disease. Last evaluated: 2021-10-28. Review status: criteria provided, single submitter. Criteria: ACMG Guidelines, 2015. Collection method: clinical testing. Allele origin: unknown.

Genome-Nilou Lab
Classification: Pathogenic for Wilson disease. Last evaluated: 2021-08-10. Review status: criteria provided, single submitter. Criteria: ACMG Guidelines, 2015. Collection method: clinical testing. Allele origin: germline. Affected: no.

Laboratory for Molecular Medicine, Mass General Brigham Personalized Medicine
Classification: Likely pathogenic for Wilson disease. Last evaluated: 2020-06-11. Review status: criteria provided, single submitter. Criteria: ACMG Guidelines, 2015. Collection method: clinical testing. Allele origin: germline.
Comment: The p.Arg723GlufsX32 variant in ATP7B has been previously reported in at least 3 individuals with Wilson disease (Coffey 2013, Forbes 2014, Nanji 1997) and has been identified in 1/113228 of European chromosomes by gnomAD. This variant is predicted to cause a frameshift, which alters the protein’s amino acid sequence beginning at position 723 and leads to a premature termination codon 32 amino acids downstream. This alteration is then predicted to lead to a truncated or absent protein. Loss of function of the ATP7B gene is an established disease mechanism in autosomal recessive Wilson disease. In summary, although additional studies are required to fully establish its clinical significance, this variant meets criteria to be classified as likely pathogenic for autosomal recessive Wilson disease. ACMG/AMP criteria applied: PVS1, PM2.

Women's Health and Genetics/Laboratory Corporation of America, LabCorp
Classification: Pathogenic for Wilson disease. Last evaluated: 2018-01-18. Review status: criteria provided, single submitter. Criteria: LabCorp Variant Classification Summary - May 2015. Collection method: clinical testing. Allele origin: germline.
Comment: Variant summary: The ATP7B c.2165dupT (p.Arg723GlufsX32) variant results in a premature termination codon, predicted to cause a truncated or absent ATP7B protein due to nonsense mediated decay, which are commonly known mechanisms for disease. Truncations downstream of this position have been classified as pathogenic by our laboratory (e.g. c.778dupC, p.Gln260fsX10; c.845delT, p.Leu282fsX2; c.1145_1151delCCCAACT, p.Ser382fsX24). One in silico tool predicts a damaging outcome for this variant. This variant was found in 1/246180 control chromosomes at a frequency of 0.0000041 in gnomAD, which does not exceed the estimated maximal expected allele frequency of a pathogenic ATP7B variant (0.0054006). This variant was reported in multiple WD patients (Coffey_2013, Nanji_1997, Forbes_2014). In addition, one clinical diagnostic laboratory/reputable database classified this variant as pathogenic. Taken together, this variant is classified as pathogenic.

Genetic Services Laboratory, University of Chicago
Classification: Pathogenic for Wilson disease. Last evaluated: 2013-02-08. Review status: criteria provided, single submitter. Criteria: ACMG Guidelines, 2007. Collection method: clinical testing. Allele origin: germline. Affected: yes.

Counsyl
Classification: Pathogenic for Wilson disease. Last evaluated: 2018-03-27. Review status: no assertion criteria provided. Collection method: clinical testing. Allele origin: unknown. Not counted in ClinVar's aggregate classification.

Literature cited by the submitters: PubMed 30230192 (cited by Natera, Inc. and Labcorp Genetics (formerly Invitae), Labcorp); PubMed 9199563 (cited by 5 submitters); PubMed 23023019 (cited by All of Us Research Program, National Institutes of Health); PubMed 23518715 (cited by 4 submitters); PubMed 24555712 (cited by 5 submitters); PubMed 10441329 (cited by Labcorp Genetics (formerly Invitae), Labcorp); PubMed 16283883 (cited by Labcorp Genetics (formerly Invitae), Labcorp).